The following is an entry in ClinVar:

ClinVar aggregate classification (germline): Uncertain significance. Review status: criteria provided, multiple submitters, no conflicts (2 of 4 stars). 2 submissions from 2 submitters: Uncertain significance (2). Last evaluated 2023-06-22.

Conditions:
Cardiovascular phenotype. Identifiers: MedGen CN230736.
Hypertrophic cardiomyopathy 1 (CMH1). Also called: Familial hypertrophic cardiomyopathy 1; MYH7-Related Familial Hypertrophic Cardiomyopathy. Identifiers: MedGen C3495498, MONDO:0008647, OMIM 192600.

Allele frequency attached by ClinVar (database versions not stated): ExAC 0.00005.
gnomAD v4.1: 19 of 1,614,200 alleles (0.0012%); highest among the groups gnomAD compares: South Asian, 0.021%; no homozygotes.

Submissions (2):

Neuberg Centre For Genomic Medicine, NCGM
Classification: Uncertain significance for Hypertrophic cardiomyopathy 1. Last evaluated: 2023-06-22. Review status: criteria provided, single submitter. Criteria: ACMG Guidelines, 2015. Collection method: clinical testing. Allele origin: germline. Inheritance: Autosomal dominant inheritance. Affected: yes.
Comment: The observed missense c.304C>G(p.Pro102Ala) variant in MYPN gene has not been reported previously as a pathogenic variant nor a benign variant, to our knowledge. The p.Pro102Ala variant has been reported with allele frequency of 0.003% in gnomAD Exomes. This variant has been submitted to the ClinVar database as Uncertain Significance. Multiple lines of computational evidences (Polyphen - Benign, SIFT - Tolerated and MutationTaster - Polymorphism) predict no damaging effect on protein structure and function for this variant. The reference amino acid change at this position on MYPN gene is predicted as conserved by GERP++ and PhyloP across 100 vertebrates. The amino acid Pro at position 102 is changed to a Ala changing protein sequence and it might alter its composition and physico-chemical properties. For these reasons, this variant has been classified as a Variant of Uncertain Significance (VUS).

Ambry Genetics
Classification: Uncertain significance for Cardiovascular phenotype. Last evaluated: 2022-08-01. Review status: criteria provided, single submitter. Criteria: Ambry Variant Classification Scheme 2023. Collection method: clinical testing. Allele origin: germline.
Comment: The p.P102A variant (also known as c.304C>G), located in coding exon 1 of the MYPN gene, results from a C to G substitution at nucleotide position 304. The proline at codon 102 is replaced by alanine, an amino acid with highly similar properties. This amino acid position is conserved. In addition, this alteration is predicted to be tolerated by in silico analysis. Since supporting evidence is limited at this time, the clinical significance of this alteration remains unclear.

NM_032578.4(MYPN):c.304C>G (p.Pro102Ala)

Gene: MYPN (myopalladin; plus strand). Cytogenetic location: 10q21.3.
Variant type: single nucleotide variant.
Coding change: c.304C>G on transcript NM_032578.4 (MANE Select); coding-DNA position 304, C replaced by G.
Protein change: p.Pro102Ala; replaces proline 102 with alanine.
Molecular consequence: missense variant. On other transcripts: 5 prime UTR variant (1), non-coding transcript variant (1).
Genome position (GRCh38, 1-based): chr10:68,121,742, C>G. VCF-style: chr10-68121742-C-G. GRCh37 (hg19) VCF-style: chr10-69881499-C-G.
Other names: c.304C>G, p.Pro102Ala (NM_001256267.2); c.-819C>G (NM_001256268.2); short protein forms P102A.
Identifiers: ClinVar variation 1799239 (VCV001799239.3), dbSNP rs749935442, ClinGen allele CA5522255.